The following is an entry in ClinVar:

ClinVar aggregate classification (germline): Conflicting classifications of pathogenicity. Review status: criteria provided, conflicting classifications (1 of 4 stars). 3 submissions from 3 submitters: Uncertain significance (2); Likely benign (1). Last evaluated 2025-09-10.

Conditions:
Familial adenomatous polyposis 2. Also called: FAP type 2; MUTYH Polyposis; MUTYH-related attenuated familial adenomatous polyposis; COLORECTAL ADENOMATOUS POLYPOSIS, AUTOSOMAL RECESSIVE; ADENOMAS, MULTIPLE COLORECTAL, AUTOSOMAL RECESSIVE; Adenomas, multiple colorectal. Identifiers: Orphanet 220460, Orphanet 247798, MedGen C3272841, MONDO:0012041, OMIM 608456.
Hereditary cancer-predisposing syndrome. Also called: Tumor predisposition; Hereditary neoplastic syndrome; Neoplastic Syndromes, Hereditary; Hereditary Cancer Syndrome. Identifiers: Orphanet 140162, MedGen C0027672, MeSH D009386, MONDO:0015356.

Allele frequency attached by ClinVar (database versions not stated): gnomAD exomes below 0.00001; ExAC 0.00001.
gnomAD v4.1: 1 of 1,614,186 alleles (0.000062%); highest among the groups gnomAD compares: South Asian, 0.0011%; no homozygotes.

Submissions (3):

Labcorp Genetics (formerly Invitae), Labcorp
Classification: Uncertain significance for Familial adenomatous polyposis 2. Last evaluated: 2025-09-10. Review status: criteria provided, single submitter. Criteria: Invitae Variant Classification Sherloc (09022015). Collection method: clinical testing. Allele origin: germline.
Comment: This sequence change replaces glutamic acid, which is acidic and polar, with lysine, which is basic and polar, at codon 378 of the MUTYH protein (p.Glu378Lys). This variant is present in population databases (rs772113192, gnomAD 0.003%). This variant has not been reported in the literature in individuals affected with MUTYH-related conditions. ClinVar contains an entry for this variant (Variation ID: 238333). An algorithm developed to predict the effect of missense changes on protein structure and function (PolyPhen-2) suggests that this variant is likely to be tolerated. In summary, the available evidence is currently insufficient to determine the role of this variant in disease. Therefore, it has been classified as a Variant of Uncertain Significance.

Ambry Genetics
Classification: Likely benign for Hereditary cancer-predisposing syndrome. Last evaluated: 2025-08-19. Review status: criteria provided, single submitter. Criteria: Ambry Variant Classification Scheme 2023. Collection method: clinical testing. Allele origin: germline.

Color Diagnostics, LLC DBA Color Health
Classification: Uncertain significance for Hereditary cancer-predisposing syndrome. Last evaluated: 2023-12-05. Review status: criteria provided, single submitter. Criteria: ACMG Guidelines, 2015. Collection method: clinical testing. Allele origin: germline.
Comment: This missense variant replaces glutamic acid with lysine at codon 378 of the MUTYH protein. Computational prediction suggests that this variant may not impact protein structure and function (internally defined REVEL score threshold <= 0.5, PMID: 27666373). To our knowledge, functional studies have not been reported for this variant. This variant has not been reported in individuals affected with MUTYH-related disorders in the literature. This variant has been identified in 1/250320 chromosomes in the general population by the Genome Aggregation Database (gnomAD). The available evidence is insufficient to determine the role of this variant in disease conclusively. Therefore, this variant is classified as a Variant of Uncertain Significance.

NM_001048174.2(MUTYH):c.1048G>A (p.Glu350Lys)

Gene: MUTYH (mutY DNA glycosylase; minus strand). Cytogenetic location: 1p34.1.
Variant type: single nucleotide variant.
Coding change: c.1048G>A on transcript NM_001048174.2 (MANE Select); coding-DNA position 1048, G replaced by A.
Protein change: p.Glu350Lys; replaces glutamic acid 350 with lysine.
Molecular consequence: missense variant. On other transcripts: non-coding transcript variant (2).
Genome position (GRCh38, 1-based): chr1:45,331,715, C>T on the plus strand (G>A on the coding strand, the complement: MUTYH is on the minus strand). VCF-style: chr1-45331715-C-T. GRCh37 (hg19) VCF-style: chr1-45797387-C-T.
Other names: c.1048G>A, p.Glu350Lys (NM_001048171.2, NM_001048173.2, NM_001293195.2); c.1051G>A, p.Glu351Lys (NM_001048172.2); c.1132G>A, p.Glu378Lys (NM_001128425.2); c.1093G>A, p.Glu365Lys (NM_001293190.2); c.1081G>A, p.Glu361Lys (NM_001293191.2); c.772G>A, p.Glu258Lys (NM_001293192.2, NM_001293196.2); c.703G>A, p.Glu235Lys (NM_001350650.2, NM_001350651.2); c.1123G>A, p.Glu375Lys (NM_012222.3); short protein forms E378K, E258K, E361K, E235K, E351K, E375K, E350K, E365K.
Identifiers: ClinVar variation 238333 (VCV000238333.14), dbSNP rs772113192, ClinGen allele CA026526.